The following is an entry in ClinVar:

NM_001367561.1(DOCK7):c.4675C>T (p.Arg1559Ter)

Gene: DOCK7 (dedicator of cytokinesis 7; minus strand). Cytogenetic location: 1p31.3.
Variant type: single nucleotide variant.
Coding change: c.4675C>T on transcript NM_001367561.1 (MANE Select); coding-DNA position 4675, C replaced by T.
Protein change: p.Arg1559Ter; replaces arginine 1559 with a stop codon.
Molecular consequence: nonsense.
Genome position (GRCh38, 1-based): chr1:62,504,719, G>A on the plus strand (C>T on the coding strand, the complement: DOCK7 is on the minus strand). VCF-style: chr1-62504719-G-A. GRCh37 (hg19) VCF-style: chr1-62970390-G-A.
Other names: c.4648C>T, p.Arg1550Ter (NM_001271999.2, NM_001330614.2); c.4555C>T, p.Arg1519Ter (NM_001272000.2, NM_001272001.2); c.4582C>T, p.Arg1528Ter (NM_033407.4); short protein forms R1528*, R1559*, R1550*, R1519*.
Identifiers: ClinVar variation 2023278 (VCV002023278.4), dbSNP rs2524233174, ClinGen allele CA340617840.
Genomic context (GRCh38, chr1:62,504,719, plus strand): 5'-GTAGGTAAAGGGAGGCACTGGCGTGTGACCGTATTGTACCGATGCTACTGCTACAGTGTC[G>A]GAGAAGCCTGAGGCATAAATCAGCACACTGCTCTGTCTCTTCTTCAAATAAGAGTTCAGG-3'

ClinVar aggregate classification (germline): Pathogenic (1 of 4 stars; one submission).

Conditions:
Developmental and epileptic encephalopathy, 23 (DEE23). Also called: Epileptic encephalopathy, early infantile, 23. Identifiers: Orphanet 411986, MedGen C4014492, MONDO:0014371, OMIM 615859.

Allele frequency attached by ClinVar (database versions not stated): gnomAD exomes 0.00001.
gnomAD v4.1: 10 of 1,614,070 alleles (0.00062%); highest among the groups gnomAD compares: Non-Finnish European, 0.00085%; no homozygotes.

Submission:

Labcorp Genetics (formerly Invitae), Labcorp
Classification: Pathogenic for Developmental and epileptic encephalopathy, 23. Last evaluated: 2023-09-10. Review status: criteria provided, single submitter. Criteria: Invitae Variant Classification Sherloc (09022015). Collection method: clinical testing. Allele origin: germline.
Comment: This variant has not been reported in the literature in individuals affected with DOCK7-related conditions. This variant is not present in population databases (gnomAD no frequency). This sequence change creates a premature translational stop signal (p.Arg1550*) in the DOCK7 gene. It is expected to result in an absent or disrupted protein product. Loss-of-function variants in DOCK7 are known to be pathogenic (PMID: 24814191). ClinVar contains an entry for this variant (Variation ID: 2023278). For these reasons, this variant has been classified as Pathogenic.

Literature cited by the submitters: PubMed 24814191.